The following is an entry in ClinVar:

NM_003966.3(SEMA5A):c.3090G>A (p.Ser1030=)

Gene: SEMA5A (semaphorin 5A; minus strand). Cytogenetic location: 5p15.31.
Variant type: single nucleotide variant.
Coding change: c.3090G>A on transcript NM_003966.3 (MANE Select); coding-DNA position 3090, G replaced by A.
Protein change: p.Ser1030=; no amino-acid change (serine 1030 retained).
Molecular consequence: synonymous variant.
Genome position (GRCh38, 1-based): chr5:9,044,388, C>T on the plus strand (G>A on the coding strand, the complement: SEMA5A is on the minus strand). VCF-style: chr5-9044388-C-T. GRCh37 (hg19) VCF-style: chr5-9044500-C-T.
Identifiers: ClinVar variation 734449 (VCV000734449.6), dbSNP rs150116452, ClinGen allele CA3196208.

ClinVar aggregate classification (germline): Likely benign. Review status: criteria provided, single submitter (1 of 4 stars). 2 submissions from 2 submitters: Likely benign (1). 1 of the submissions does not count toward it. Last evaluated 2019-12-31.

Conditions:
SEMA5A-related disorder. Also called: SEMA5A-related condition.

Allele frequency attached by ClinVar (database versions not stated): ExAC 0.00042; gnomAD exomes 0.00043 and 0.00049; ESP Exome Variant Server 0.00046; TOPMed 0.00056; gnomAD 0.00058 and 0.00061; 1000 Genomes Project 30x 0.00109; 1000 Genomes Project 0.00120.
gnomAD v4.1: 804 of 1,613,214 alleles (0.05%); highest among the groups gnomAD compares: Admixed American, 0.077%; no homozygotes.

Submissions (2):

Labcorp Genetics (formerly Invitae), Labcorp
Classification: Likely benign. Last evaluated: 2019-12-31. Review status: criteria provided, single submitter. Criteria: Invitae Variant Classification Sherloc (09022015). Collection method: clinical testing. Allele origin: germline.

PreventionGenetics, part of Exact Sciences
Classification: Likely benign for SEMA5A-related condition. Last evaluated: 2019-03-05. Review status: no assertion criteria provided. Collection method: clinical testing. Allele origin: germline. Not counted in ClinVar's aggregate classification.
Comment: This variant is classified as likely benign based on ACMG/AMP sequence variant interpretation guidelines (Richards et al. 2015 PMID: 25741868, with internal and published modifications).